The following is an entry in ClinVar:

NM_004415.4(DSP):c.3061C>T (p.Leu1021=)

Gene: DSP (desmoplakin; plus strand). Cytogenetic location: 6p24.3.
Variant type: single nucleotide variant.
Coding change: c.3061C>T on transcript NM_004415.4 (MANE Select); coding-DNA position 3061, C replaced by T.
Protein change: p.Leu1021=; no amino-acid change (leucine 1021 retained).
Molecular consequence: synonymous variant.
Genome position (GRCh38, 1-based): chr6:7,578,539, C>T. VCF-style: chr6-7578539-C-T. GRCh37 (hg19) VCF-style: chr6-7578772-C-T.
Other names: c.3061C>T, p.Leu1021= (NM_001008844.3, NM_001319034.2).
Identifiers: ClinVar variation 3074831 (VCV003074831.3), dbSNP rs763052240, ClinGen allele CA036795.
Genomic context (GRCh38, chr6:7,578,539, plus strand): 5'-GCTCGGTACATTGAACTACTTACAAGATCTGGAGACTATTACAGGTTCTTAAGTGAGATG[C>T]TGAAGAGTTTGGAAGATCTGAAGGTAATTTATACTGTCTTTTCTTGTAGCGTCAAAAAAG-3'
Protein context (NP_004406.2, residues 1011-1031): GDYYRFLSEM[Leu1021=]KSLEDLKLKN

ClinVar aggregate classification (germline): Benign/Likely benign. Review status: criteria provided, multiple submitters, no conflicts (2 of 4 stars). 2 submissions from 2 submitters: Benign (1); Likely benign (1). Last evaluated 2024-02-05.

Conditions:
Arrhythmogenic right ventricular dysplasia 8 (ARVD8). Also called: ARRHYTHMOGENIC RIGHT VENTRICULAR DYSPLASIA, FAMILIAL, 8; ARRHYTHMOGENIC RIGHT VENTRICULAR CARDIOMYOPATHY 8; Arrhythmogenic Right Ventricular Dysplasia/Cardiomyopathy 8. Identifiers: MedGen C1843896, MONDO:0011831, OMIM 607450.
Arrhythmogenic cardiomyopathy with wooly hair and keratoderma. Also called: PALMOPLANTAR KERATODERMA WITH LEFT VENTRICULAR CARDIOMYOPATHY AND WOOLLY HAIR; Carvajal syndrome; Dilated cardiomyopathy with woolly hair and keratoderma; Arrhythmogenic cardiomyopathy with woolly hair and keratoderma. Identifiers: Orphanet 65282, MedGen C1854063, MONDO:0011581, OMIM 605676.

Allele frequency attached by ClinVar (database versions not stated): gnomAD exomes below 0.00001; ExAC 0.00001.
gnomAD v4.1: 2 of 1,613,568 alleles (0.00012%); highest among the groups gnomAD compares: Admixed American, 0.0033%; no homozygotes.

Submissions (2):

Labcorp Genetics (formerly Invitae), Labcorp
Classification: Benign for Arrhythmogenic cardiomyopathy with wooly hair and keratoderma; Arrhythmogenic right ventricular dysplasia 8. Last evaluated: 2024-02-05. Review status: criteria provided, single submitter. Criteria: Invitae Variant Classification Sherloc (09022015). Collection method: clinical testing. Allele origin: germline.

All of Us Research Program, National Institutes of Health
Classification: Likely benign for Arrhythmogenic cardiomyopathy with wooly hair and keratoderma. Last evaluated: 2023-12-13. Review status: criteria provided, single submitter. Criteria: ACMG Guidelines, 2015. Collection method: clinical testing. Allele origin: germline. Inheritance: Autosomal dominant inheritance. Observed: 1 variant allele, 1 heterozygote.
Comment: This study involves interpretation of variants in research participants for the purpose of population health screening. Participant phenotype was not available at the time of variant classification. Additional details can be found in publication PMID: 35346344, PMCID: PMC8962531